The following is an entry in ClinVar:

ClinVar aggregate classification (germline): Pathogenic/Likely pathogenic. Review status: criteria provided, multiple submitters, no conflicts (2 of 4 stars). 4 submissions from 4 submitters: Pathogenic (3); Likely pathogenic (1). Last evaluated 2024-12-08.

Conditions:
Inborn genetic diseases. Identifiers: MedGen C0950123, MeSH D030342.
Progressive sclerosing poliodystrophy (MTDPS4A). Also called: Alpers Syndrome; Mitochondrial DNA Depletion Syndrome 4A; Alpers-Huttenlocher Syndrome (AHS); ALPERS PROGRESSIVE INFANTILE POLIODYSTROPHY; NEURONAL DEGENERATION OF CHILDHOOD WITH LIVER DISEASE, PROGRESSIVE; ALPERS DIFFUSE DEGENERATION OF CEREBRAL GRAY MATTER WITH HEPATIC CIRRHOSIS. Identifiers: Orphanet 726, MedGen C0205710, MONDO:0008758, OMIM 203700.
Sensory ataxic neuropathy, dysarthria, and ophthalmoparesis (SANDO). Also called: SENSORY ATAXIC NEUROPATHY WITH MITOCHONDRIAL DNA DELETIONS, AUTOSOMAL RECESSIVE; Ataxia Neuropathy Spectrum (ANS); Sensory ataxic neuropathy-dysarthria-ophthalmoparesis syndrome; Epilepsy, progressive myoclonic, type 5. Identifiers: Orphanet 70595, MedGen C1843851, MONDO:0011835, OMIM 607459.
Mitochondrial DNA depletion syndrome 4b. Also called: Mitochondrial Neurogastrointestinal Encephalopathy Disease, POLG-Related; MNGIE, POLG-RELATED. Identifiers: Orphanet 298, MedGen C3150914, MONDO:0013350, OMIM 613662.
Progressive external ophthalmoplegia with mitochondrial DNA deletions, autosomal dominant 1 (PEOA1). Also called: Autosomal Dominant Progressive External Ophthalmoplegia (adPEO); PROGRESSIVE EXTERNAL OPHTHALMOPLEGIA, AUTOSOMAL DOMINANT 1. Identifiers: MedGen C1834846, MONDO:0024528, OMIM 157640.
Progressive external ophthalmoplegia with mitochondrial DNA deletions, autosomal recessive 1 (PEOB1). Also called: Autosomal Recessive Progressive External Ophthalmoplegia (arPEO); Progressive external ophthalmoplegia, autosomal recessive 1. Identifiers: Orphanet 254886, MedGen C4225153, MONDO:0009783, OMIM 258450.

Submissions (4):

Labcorp Genetics (formerly Invitae), Labcorp
Classification: Pathogenic for Progressive sclerosing poliodystrophy. Last evaluated: 2024-12-08. Review status: criteria provided, single submitter. Criteria: Invitae Variant Classification Sherloc (09022015). Collection method: clinical testing. Allele origin: germline.
Comment: This sequence change creates a premature translational stop signal (p.Val1005Aspfs*27) in the POLG gene. It is expected to result in an absent or disrupted protein product. Loss-of-function variants in POLG are known to be pathogenic (PMID: 18546365). This variant is not present in population databases (gnomAD no frequency). This premature translational stop signal has been observed in individual(s) with cerebral palsy (PMID: 33528536). This variant is also known as c.3006_3049del (p.1002_1017del ). ClinVar contains an entry for this variant (Variation ID: 279948). For these reasons, this variant has been classified as Pathogenic.

Fulgent Genetics
Classification: Likely pathogenic for Progressive external ophthalmoplegia with mitochondrial DNA deletions, autosomal dominant 1; Progressive sclerosing poliodystrophy; Progressive external ophthalmoplegia with mitochondrial DNA deletions, autosomal recessive 1; Sensory ataxic neuropathy, dysarthria, and ophthalmoparesis; Mitochondrial DNA depletion syndrome 4b. Last evaluated: 2024-06-19. Review status: criteria provided, single submitter. Criteria: ACMG Guidelines, 2015. Collection method: clinical testing. Allele origin: germline.

GeneDx
Classification: Pathogenic. Last evaluated: 2017-11-03. Review status: criteria provided, single submitter. Criteria: GeneDx Variant Classification (06012015). Collection method: clinical testing. Allele origin: germline. Affected: yes.
Comment: The c.3014_3057del44 variant in the POLG gene has not been reported previously as a pathogenic variant nor as a benign variant, to our knowledge. The c.3014_3057del44 variant causes a frameshift starting with codon Valine 1005, changes this amino acid to an Aspartic Acid residue, and creates a premature Stop codon at position 27 of the new reading frame, denoted p.Val1005AspfsX27. This variant is predicted to cause loss of normal protein function either through protein truncation or nonsense-mediated mRNA decay. The c.3014_3057del44 variant was not observed in approximately 6500 individuals of European and African American ancestry in the NHLBI Exome Sequencing Project, indicating it is not a common benign variant in these populations. We interpret c.3014_3057del44 as a pathogenic variant.

Ambry Genetics
Classification: Pathogenic for Inborn genetic diseases. Last evaluated: 2016-11-21. Review status: criteria provided, single submitter. Criteria: Ambry Variant Classification Scheme 2023. Collection method: clinical testing. Allele origin: germline.
Comment: The c.3014_3057del44 variant, located in coding exon 18 of the POLG gene, results from a deletion of 44 nucleotides at nucleotide positions 3014 to 3057, causing a translational frameshift with a predicted alternate stop codon (p.V1005Dfs*27). This alteration is expected to result in loss of function by premature protein truncation or nonsense-mediated mRNA decay. As such, this alteration is interpreted as a disease-causing mutation.

Literature cited by the submitters: PubMed 18546365 (cited by Labcorp Genetics (formerly Invitae), Labcorp); PubMed 33528536 (cited by Labcorp Genetics (formerly Invitae), Labcorp).

NM_002693.3(POLG):c.3014_3057del (p.Val1005fs)

Gene: POLG (DNA polymerase gamma, catalytic subunit; minus strand). Cytogenetic location: 15q26.1.
Variant type: Deletion.
Coding change: c.3014_3057del on transcript NM_002693.3 (MANE Select); coding-DNA positions 3014 to 3057, 44 bases deleted.
Protein change: p.Val1005fs; shifts the reading frame from valine 1005.
Molecular consequence: frameshift variant.
Genome position (GRCh38, 1-based): chr15:89,319,275-89,319,318, 44 bases deleted; deleting any 44 consecutive bases within chr15:89,319,275-89,319,326 gives the same sequence; the c. name uses the placement nearest the transcript's 3' end. GRCh37 (hg19): chr15:89,862,514-89,862,557.
Other names: c.3014_3057del, p.Val1005fs (NM_001126131.2); c.3014_3057delTGAGGGAGTTGAACCTCCCAGTGGACAGGACTGAGGGTGGCTGG (NM_002693.2); short protein forms V1005fs.
Identifiers: ClinVar variation 279948 (VCV000279948.9), dbSNP rs886041276, ClinGen allele CA10603229.
Genomic context (GRCh38, chr15:89,319,274, plus strand): 5'-AAGAAGGTTCTTACTTCCTTGCAGTTTCTCTCTGGACCTTGCGCAGATCCTGCAGGGAAA[TCCAGCCACCCTCAGTCCTGTCCACTGGGAGGTTCAACTCCCTCA>T]CCAGCCACTCGCCCTCATCCGACAGCCGATACCTGGGGGCAGTGTTATCACCATCATTCC-3'